The following is an entry in ClinVar:

NM_030665.4(RAI1):c.534G>A (p.Pro178=)

Gene: RAI1 (retinoic acid induced 1; plus strand). Cytogenetic location: 17p11.2.
Variant type: single nucleotide variant.
Coding change: c.534G>A on transcript NM_030665.4 (MANE Select); coding-DNA position 534, G replaced by A.
Protein change: p.Pro178=; no amino-acid change (proline 178 retained).
Molecular consequence: synonymous variant.
Genome position (GRCh38, 1-based): chr17:17,793,482, G>A. VCF-style: chr17-17793482-G-A. GRCh37 (hg19) VCF-style: chr17-17696796-G-A.
Other names: c.534G>A (NM_030665.3).
Identifiers: ClinVar variation 1606165 (VCV001606165.27), dbSNP rs561440366, ClinGen allele CA8418146.
Genomic context (GRCh38, chr17:17,793,482, plus strand): 5'-AGAGCAGGGCGCCCAGGTGCCCTTTCGGACTCACTCCCTGCACGTCCAGCAGCCACCGCC[G>A]CCCCAGCAGCCCCTGGCATACCCCAAGCTCCAAAGGCAGAAGCTGCAGAACGACATTGCC-3'
Protein context (NP_109590.3, residues 168-188): THSLHVQQPP[Pro178=]PQQPLAYPKL

ClinVar aggregate classification (germline): Likely benign. Review status: criteria provided, multiple submitters, no conflicts (2 of 4 stars). 3 submissions from 3 submitters: Likely benign (3). Last evaluated 2025-11-27.

Conditions:
RAI1-related disorder. Also called: RAI1-related condition.

Allele frequency attached by ClinVar (database versions not stated): TOPMed 0.00002; gnomAD 0.00004; 1000 Genomes Project 30x 0.00031; 1000 Genomes Project 0.00040.
gnomAD v4.1: 87 of 1,613,814 alleles (0.0054%); highest among the groups gnomAD compares: South Asian, 0.058%; no homozygotes.

Submissions (3):

Labcorp Genetics (formerly Invitae), Labcorp
Classification: Likely benign. Last evaluated: 2025-11-27. Review status: criteria provided, single submitter. Criteria: Invitae Variant Classification Sherloc (09022015). Collection method: clinical testing. Allele origin: germline.

PreventionGenetics, part of Exact Sciences
Classification: Likely benign for RAI1-related condition. Last evaluated: 2024-12-11. Review status: criteria provided, single submitter. Criteria: ACMG Guidelines, 2015. Collection method: clinical testing. Allele origin: germline.
Comment: This variant is classified as likely benign based on ACMG/AMP sequence variant interpretation guidelines (Richards et al. 2015 PMID: 25741868, with internal and published modifications).

CeGaT Center for Human Genetics Tuebingen
Classification: Likely benign. Last evaluated: 2024-06-01. Review status: criteria provided, single submitter. Criteria: CeGaT Center For Human Genetics Tuebingen Variant Classification Criteria Version 2. Collection method: clinical testing. Allele origin: germline. Affected: yes. Observed: 1 variant allele.
Comment: RAI1: BP4, BP7